The following is an entry in ClinVar:

ClinVar aggregate classification (germline): Uncertain significance (1 of 4 stars; one submission).

Allele frequency attached by ClinVar (database versions not stated): gnomAD 0.00001; gnomAD exomes 0.00001.
gnomAD v4.1: 11 of 1,560,390 alleles (0.0007%); highest among the groups gnomAD compares: African/African-American, 0.0014%; no homozygotes.

Submission:

Labcorp Genetics (formerly Invitae), Labcorp
Classification: Uncertain significance. Last evaluated: 2024-12-16. Review status: criteria provided, single submitter. Criteria: Invitae Variant Classification Sherloc (09022015). Collection method: clinical testing. Allele origin: germline.
Comment: This sequence change replaces alanine, which is neutral and non-polar, with valine, which is neutral and non-polar, at codon 252 of the WDR1 protein (p.Ala252Val). This variant is not present in population databases (gnomAD no frequency). This variant has not been reported in the literature in individuals affected with WDR1-related conditions. ClinVar contains an entry for this variant (Variation ID: 1518915). An algorithm developed to predict the effect of missense changes on protein structure and function (PolyPhen-2) suggests that this variant is likely to be disruptive. Algorithms developed to predict the effect of sequence changes on RNA splicing suggest that this variant may create or strengthen a splice site. In summary, the available evidence is currently insufficient to determine the role of this variant in disease. Therefore, it has been classified as a Variant of Uncertain Significance.

NM_017491.5(WDR1):c.755C>T (p.Ala252Val)

Gene: WDR1 (WD repeat domain 1; minus strand). Cytogenetic location: 4p16.1.
Variant type: single nucleotide variant.
Coding change: c.755C>T on transcript NM_017491.5 (MANE Select); coding-DNA position 755, C replaced by T.
Protein change: p.Ala252Val; replaces alanine 252 with valine.
Molecular consequence: missense variant.
Genome position (GRCh38, 1-based): chr4:10,087,903, G>A on the plus strand (C>T on the coding strand, the complement: WDR1 is on the minus strand). VCF-style: chr4-10087903-G-A. GRCh37 (hg19) VCF-style: chr4-10089527-G-A.
Other names: c.335C>T, p.Ala112Val (NM_005112.5); short protein forms A252V, A112V.
Identifiers: ClinVar variation 1518915 (VCV001518915.8), dbSNP rs1711691511, ClinGen allele CA356362113.